The following is an entry in ClinVar:

ClinVar aggregate classification (germline): Likely benign (1 of 4 stars; one submission).

gnomAD v4.1: 12 of 1,165,866 alleles (0.001%); highest among the groups gnomAD compares: Non-Finnish European, 0.00035%; no homozygotes.

Submission:

CeGaT Center for Human Genetics Tuebingen
Classification: Likely benign. Last evaluated: 2024-08-01. Review status: criteria provided, single submitter. Criteria: CeGaT Center For Human Genetics Tuebingen Variant Classification Criteria Version 2. Collection method: clinical testing. Allele origin: germline. Affected: yes. Observed: 1 variant allele.
Comment: HUWE1: BP4

NM_031407.7(HUWE1):c.7736+3G>A

Gene: HUWE1 (HECT, UBA and WWE domain containing E3 ubiquitin protein ligase 1; minus strand). Cytogenetic location: Xp11.22.
Variant type: single nucleotide variant.
Coding change: c.7736+3G>A on transcript NM_031407.7 (MANE Select); 3 bases into the intron after coding-DNA position 7736, G replaced by A.
Molecular consequence: intron variant.
Genome position (GRCh38, 1-based): chrX:53,560,185, C>T on the plus strand (G>A on the coding strand, the complement: HUWE1 is on the minus strand). VCF-style: chrX-53560185-C-T. GRCh37 (hg19) VCF-style: chrX-53587146-C-T.
Identifiers: ClinVar variation 3342062 (VCV003342062.16).